The following is an entry in ClinVar:

NM_206933.4(USH2A):c.820C>G (p.Arg274Gly)

Gene: USH2A (usherin; minus strand). Cytogenetic location: 1q41.
Variant type: single nucleotide variant.
Coding change: c.820C>G on transcript NM_206933.4 (MANE Select); coding-DNA position 820, C replaced by G.
Protein change: p.Arg274Gly; replaces arginine 274 with glycine.
Molecular consequence: missense variant.
Genome position (GRCh38, 1-based): chr1:216,327,619, G>C on the plus strand (C>G on the coding strand, the complement: USH2A is on the minus strand). VCF-style: chr1-216327619-G-C. GRCh37 (hg19) VCF-style: chr1-216500961-G-C.
Other names: c.820C>G, p.Arg274Gly (NM_007123.6); short protein forms R274G.
Identifiers: ClinVar variation 438026 (VCV000438026.16), dbSNP rs397518036, ClinGen allele CA1396686.

ClinVar aggregate classification (germline): Pathogenic/Likely pathogenic. Review status: criteria provided, multiple submitters, no conflicts (2 of 4 stars). 7 submissions from 7 submitters: Pathogenic (4); Likely pathogenic (2). 1 of the submissions does not count toward it. Last evaluated 2025-11-25.

Conditions:
Usher syndrome. Also called: Usher Syndromes; Usher's syndrome. Identifiers: Orphanet 886, MedGen CN469326, MeSH D052245, MONDO:0019501. Disease mechanism: loss of function.
Usher syndrome type 2A. Also called: RETINAL DISEASE IN USHER SYNDROME TYPE IIA, MODIFIER OF; USHER SYNDROME, TYPE IIA. Identifiers: Orphanet 231178, Orphanet 886, MedGen C1848634, MONDO:0010169, OMIM 276901.
USH2A-related disorder. Also called: USH2A-related condition; USH2A-related disorders. Identifiers: MedGen CN239332.

gnomAD v4.1: 5 of 1,613,154 alleles (0.00031%); highest among the groups gnomAD compares: Non-Finnish European, 0.00034%; no homozygotes.

Submissions (7):

Natera, Inc.
Classification: Likely pathogenic for Usher syndrome type 2A. Last evaluated: 2025-11-25. Review status: criteria provided, single submitter. Criteria: Natera Variant Classification Schema (03/2026). Collection method: clinical testing. Allele origin: germline.
Comment: The c.820C>G variant in USH2A is a missense variant predicted to cause substitution of arginine to glycine at amino acid 274. This variant is rare in the general population with a frequency below the threshold expected for the associated phenotype(s). This variant has been observed in one or more individuals affected with the associated recessive disease, as either homozygous or compound heterozygous with a second variant (PMID: 28041643, 36819107, 1022720). Computational prediction algorithms indicate this variant is likely to affect gene or protein function. Given the available evidence, this variant is classified as Likely Pathogenic.

Women's Health and Genetics/Laboratory Corporation of America, LabCorp
Classification: Likely pathogenic for Usher syndrome. Last evaluated: 2024-12-18. Review status: criteria provided, single submitter. Criteria: LabCorp Variant Classification Summary - May 2015. Collection method: clinical testing. Allele origin: germline.
Comment: Variant summary: USH2A c.820C>G (p.Arg274Gly) results in a non-conservative amino acid change in the encoded protein sequence. Five of five in-silico tools predict a damaging effect of the variant on protein function. The variant allele was found at a frequency of 8e-06 in 250882 control chromosomes (gnomAD). c.820C>G has been reported in the literature in individuals affected with Usher Syndrome or inherited retinal disease (Carss_2017, Panneman_2023, Lin_2024, Labcorp (formerly Invitae)). These data indicate that the variant is likely to be associated with disease. To our knowledge, no experimental evidence demonstrating an impact on protein function has been reported. The following publications have been ascertained in the context of this evaluation (PMID: 28041643, 36819107, 38219857). ClinVar contains an entry for this variant (Variation ID: 438026). Based on the evidence outlined above, the variant was classified as likely pathogenic.

Genome-Nilou Lab
Classification: Pathogenic for Usher syndrome type 2A. Last evaluated: 2023-11-04. Review status: criteria provided, single submitter. Criteria: ACMG Guidelines, 2015. Collection method: clinical testing. Allele origin: germline. Affected: no.

Victorian Clinical Genetics Services, Murdoch Childrens Research Institute
Classification: Pathogenic for Usher syndrome type 2A. Last evaluated: 2023-07-17. Review status: criteria provided, single submitter. Criteria: ACMG Guidelines, 2015. Collection method: clinical testing. Allele origin: germline. Inheritance: Autosomal recessive inheritance. Affected: yes.
Comment: Based on the classification scheme VCGS_Germline_v1.3.4, this variant is classified as Pathogenic. Following criteria are met: 0102 - Loss of function is a known mechanism of disease in this gene and is associated with Usher syndrome type 2A (MIM#276901). (I) 0106 - This gene is associated with autosomal recessive disease. (I) 0200 - Variant is predicted to result in a missense amino acid change from arginine to glycine. (I) 0251 - This variant is heterozygous. (I) 0304 - Variant is present in gnomAD (v2) <0.01 for a recessive condition (2 heterozygotes, 0 homozygotes). (SP) 0309 - An alternative amino acid change at the same position has been observed in gnomAD (v2) (6 heterozygotes, 0 homozygotes). (I) 0502 - Missense variant with conflicting in silico predictions and uninformative conservation. (I) 0600 - Variant is located in the annotated Concanavalin A-like lectin/glucanases superfamily domain (DECIPHER). (I) 0704 - Another missense variant comparable to the one identified in this case has limited previous evidence for pathogenicity. p.(Arg274Gln) has been previously described as a variant of uncertain significance in multiple independent cases (ClinVar, PMIDs: 27460420, 28798898). (SP) 0803 - This variant has limited previous evidence of pathogenicity in unrelated individuals. This variant has been classified as pathogenic in an individual with Usher syndrome (PMID: 28041643). It has also been classified as a VUS by a clinical laboratory in ClinVar, however the description in the ClinVar entry is consistent with a variant of high clinical relevance. (SP) 0905 - No published segregation evidence has been identified for this variant. (I) 1007 - No published functional evidence has been identified for this variant. (I) 1201 - Heterozygous variant detected in trans with a pathogenic heterozygous variant (NM_206933.2(USH2A):c.1036A>C; p.(Asn346His)) in a recessive disease. (I) Legend: (SP) - Supporting pathogenic, (I) - Information, (SB) - Supporting benign

Blueprint Genetics
Classification: Pathogenic for USH2A-related disorders. Last evaluated: 2023-02-07. Review status: criteria provided, single submitter. Criteria: ACMG Guidelines, 2015. Collection method: clinical testing. Allele origin: germline. Affected: yes. Observed: 3 variant alleles.

Labcorp Genetics (formerly Invitae), Labcorp
Classification: Pathogenic. Last evaluated: 2022-10-29. Review status: criteria provided, single submitter. Criteria: Invitae Variant Classification Sherloc (09022015). Collection method: clinical testing. Allele origin: germline.
Comment: This sequence change replaces arginine, which is basic and polar, with glycine, which is neutral and non-polar, at codon 274 of the USH2A protein (p.Arg274Gly). This variant is present in population databases (rs397518036, gnomAD 0.002%). This missense change has been observed in individual(s) with clinical features of Usher syndrome (PMID: 28041643; Invitae). ClinVar contains an entry for this variant (Variation ID: 438026). Algorithms developed to predict the effect of missense changes on protein structure and function (SIFT, PolyPhen-2, Align-GVGD) all suggest that this variant is likely to be disruptive. This variant disrupts the p.Arg274 amino acid residue in USH2A. Other variant(s) that disrupt this residue have been observed in individuals with USH2A-related conditions (PMID: 27460420), which suggests that this may be a clinically significant amino acid residue. For these reasons, this variant has been classified as Pathogenic.

NIHR Bioresource Rare Diseases, University of Cambridge
Classification: Likely pathogenic for Usher syndrome. Last evaluated: 2015-01-01. Review status: no assertion criteria provided. Collection method: research. Allele origin: unknown. Affected: yes. Observed: 1 variant allele. Not counted in ClinVar's aggregate classification.

Literature cited by the submitters: PubMed 28041643 (cited by 5 submitters); PubMed 36819107 (cited by Natera, Inc. and Women's Health and Genetics/Laboratory Corporation of America, LabCorp); PubMed 1022720 (cited by Natera, Inc.); PubMed 38219857 (cited by Women's Health and Genetics/Laboratory Corporation of America, LabCorp); PubMed 27460420 (cited by Victorian Clinical Genetics Services, Murdoch Childrens Research Institute and Labcorp Genetics (formerly Invitae), Labcorp); PubMed 28798898 (cited by Victorian Clinical Genetics Services, Murdoch Childrens Research Institute).